The following is an entry in ClinVar:

NM_001384125.1(BLTP1):c.4949C>G (p.Thr1650Ser)

Gene: BLTP1 (bridge-like lipid transfer protein family member 1; plus strand). Cytogenetic location: 4q27.
Variant type: single nucleotide variant.
Coding change: c.4949C>G on transcript NM_001384125.1 (MANE Select); coding-DNA position 4949, C replaced by G.
Protein change: p.Thr1650Ser; replaces threonine 1650 with serine.
Molecular consequence: missense variant.
Genome position (GRCh38, 1-based): chr4:122,245,052, C>G. VCF-style: chr4-122245052-C-G. GRCh37 (hg19) VCF-style: chr4-123166207-C-G.
Other names: c.4949C>G, p.Thr1650Ser (NM_015312.4); short protein forms T1650S.
Identifiers: ClinVar variation 1420533 (VCV001420533.6), dbSNP rs372854120, ClinGen allele CA104791484.

ClinVar aggregate classification (germline): Uncertain significance (1 of 4 stars; one submission).

gnomAD v4.1: 2 of 1,611,850 alleles (0.00012%); highest among the groups gnomAD compares: Admixed American, 0.0033%; no homozygotes.

Submission:

Labcorp Genetics (formerly Invitae), Labcorp
Classification: Uncertain significance. Last evaluated: 2023-07-20. Review status: criteria provided, single submitter. Criteria: Invitae Variant Classification Sherloc (09022015). Collection method: clinical testing. Allele origin: germline.
Comment: Advanced modeling of protein sequence and biophysical properties (such as structural, functional, and spatial information, amino acid conservation, physicochemical variation, residue mobility, and thermodynamic stability) performed at Invitae indicates that this missense variant is not expected to disrupt KIAA1109 protein function. ClinVar contains an entry for this variant (Variation ID: 1420533). This variant has not been reported in the literature in individuals affected with KIAA1109-related conditions. This variant is present in population databases (no rsID available, gnomAD 0.003%). This sequence change replaces threonine, which is neutral and polar, with serine, which is neutral and polar, at codon 1650 of the KIAA1109 protein (p.Thr1650Ser). In summary, the available evidence is currently insufficient to determine the role of this variant in disease. Therefore, it has been classified as a Variant of Uncertain Significance.